The following is an entry in ClinVar:

ClinVar aggregate classification (germline): Conflicting classifications of pathogenicity. Review status: criteria provided, conflicting classifications (1 of 4 stars). 3 submissions from 3 submitters: Pathogenic (1); Likely pathogenic (1); Uncertain significance (1). Last evaluated 2024-04-03.

Conditions:
Argininosuccinate lyase deficiency. Also called: Argininosuccinic aciduria; ARGININOSUCCINIC ACID LYASE DEFICIENCY; ASL DEFICIENCY. Identifiers: Orphanet 23, MedGen C0268547, MONDO:0008815, OMIM 207900, HP:0025630.

Submissions (3):

Fulgent Genetics
Classification: Likely pathogenic for Argininosuccinate lyase deficiency. Last evaluated: 2024-04-03. Review status: criteria provided, single submitter. Criteria: ACMG Guidelines, 2015. Collection method: clinical testing. Allele origin: germline.

Women's Health and Genetics/Laboratory Corporation of America, LabCorp
Classification: Uncertain significance. Last evaluated: 2024-04-03. Review status: criteria provided, single submitter. Criteria: LabCorp Variant Classification Summary - May 2015. Collection method: clinical testing. Allele origin: germline.
Comment: Variant summary: ASL c.889C>T (p.Arg297Trp) results in a non-conservative amino acid change located in the Fumarate lyase, N-terminal domain (IPR022761) of the encoded protein sequence. Five of five in-silico tools predict a damaging effect of the variant on protein function. The variant was absent in 250734 control chromosomes. The available data on variant occurrences in the general population are insufficient to allow any conclusion about variant significance. c.889C>T has been reported as a single heterozygous change in one individual affected with Argininosuccinate lyase deficiency (Linnebank_2002). These report(s) do not provide unequivocal conclusions about association of the variant with Argininosuccinic Aciduria. To our knowledge, no experimental evidence demonstrating an impact on protein function has been reported. The following publication have been ascertained in the context of this evaluation (PMID: 12384776). ClinVar contains an entry for this variant (Variation ID: 224977). Based on the evidence outlined above, the variant was classified as uncertain significance.

SNPedia
Classification: Pathogenic for Argininosuccinate lyase deficiency. Review status: criteria provided, single submitter. Criteria: Linnebank et al. (Hum Genet. 2002). Collection method: literature only. Allele origin: germline. Affected: yes.

Literature cited by the submitters: PubMed 12384776 (cited by Women's Health and Genetics/Laboratory Corporation of America, LabCorp).

NM_000048.4(ASL):c.889C>T (p.Arg297Trp)

Gene: ASL (argininosuccinate lyase; plus strand). Cytogenetic location: 7q11.21.
Variant type: single nucleotide variant.
Coding change: c.889C>T on transcript NM_000048.4 (MANE Select); coding-DNA position 889, C replaced by T.
Protein change: p.Arg297Trp; replaces arginine 297 with tryptophan.
Molecular consequence: missense variant.
Genome position (GRCh38, 1-based): chr7:66,089,146, C>T. VCF-style: chr7-66089146-C-T. GRCh37 (hg19) VCF-style: chr7-65554133-C-T.
Other names: c.889C>T, p.Arg297Trp (NM_001024943.2, NM_001024944.2); c.811C>T, p.Arg271Trp (NM_001024946.2); short protein forms R297W, R271W.
Identifiers: ClinVar variation 224977 (VCV000224977.3), dbSNP rs869312992, ClinGen allele CA357226.